The following is an entry in ClinVar:

ClinVar aggregate classification (germline): Uncertain significance (1 of 4 stars; one submission).

Conditions:
Nemaline myopathy 2 (NEM2). Also called: Nemaline myopathy 2, autosomal recessive. Identifiers: MedGen C1850569, MONDO:0009725, OMIM 256030.

Allele frequency attached by ClinVar (database versions not stated): gnomAD exomes below 0.00001; gnomAD 0.00001; TOPMed 0.00001.
gnomAD v4.1: 4 of 1,590,494 alleles (0.00025%); highest among the groups gnomAD compares: African/African-American, 0.0054%; no homozygotes.

Submission:

Labcorp Genetics (formerly Invitae), Labcorp
Classification: Uncertain significance for Nemaline myopathy 2. Last evaluated: 2022-07-06. Review status: criteria provided, single submitter. Criteria: Invitae Variant Classification Sherloc (09022015). Collection method: clinical testing. Allele origin: germline.
Comment: In summary, the available evidence is currently insufficient to determine the role of this variant in disease. Therefore, it has been classified as a Variant of Uncertain Significance. Algorithms developed to predict the effect of missense changes on protein structure and function are either unavailable or do not agree on the potential impact of this missense change (SIFT: "Deleterious"; PolyPhen-2: "Not Available"; Align-GVGD: "Class C0"). This variant has not been reported in the literature in individuals affected with NEB-related conditions. The frequency data for this variant in the population databases is considered unreliable, as metrics indicate poor data quality at this position in the gnomAD database. This sequence change replaces isoleucine, which is neutral and non-polar, with threonine, which is neutral and polar, at codon 2508 of the NEB protein (p.Ile2508Thr).

NM_001164508.2(NEB):c.7523T>C (p.Ile2508Thr)

Gene: NEB (nebulin; minus strand). Cytogenetic location: 2q23.3.
Variant type: single nucleotide variant.
Coding change: c.7523T>C on transcript NM_001164508.2 (MANE Select); coding-DNA position 7523, T replaced by C.
Protein change: p.Ile2508Thr; replaces isoleucine 2508 with threonine.
Molecular consequence: missense variant.
Genome position (GRCh38, 1-based): chr2:151,646,143, A>G on the plus strand (T>C on the coding strand, the complement: NEB is on the minus strand). VCF-style: chr2-151646143-A-G. GRCh37 (hg19) VCF-style: chr2-152502657-A-G.
Other names: c.7523T>C, p.Ile2508Thr (NM_001164507.2, NM_001271208.2, NM_004543.5); short protein forms I2508T.
Identifiers: ClinVar variation 2417353 (VCV002417353.6), dbSNP rs1175429371, ClinGen allele CA348784708.